The following is an entry in ClinVar:

ClinVar aggregate classification (germline): Uncertain significance (1 of 4 stars; one submission).

Conditions:
Supravalvar aortic stenosis (SVAS). Also called: Supravalvar aortic stenosis, Eisenberg type. Identifiers: Orphanet 3193, MedGen C0003499, MONDO:0008504, OMIM 185500, HP:0004381.
Rh-null, regulator type (RHNR). Also called: Rh-null hemolytic anemia, regulator type. Identifiers: MedGen C1849387, OMIM 268150.

Submission:

Institute of Immunology and Genetics Kaiserslautern
Classification: Uncertain significance for Supravalvar aortic stenosis; Rh-null, regulator type. Last evaluated: 2025-10-16. Review status: criteria provided, single submitter. Criteria: ACMG Guidelines, 2015. Collection method: clinical testing. Allele origin: germline. Affected: yes.
Comment: ACMG Criteria: PM2_P; Variant was found in heterozygous state.

NM_000324.3(RHAG):c.1160T>C (p.Leu387Pro)

Gene: RHAG (Rh associated glycoprotein; minus strand). Cytogenetic location: 6p12.3.
Variant type: single nucleotide variant.
Coding change: c.1160T>C on transcript NM_000324.3 (MANE Select); coding-DNA position 1160, T replaced by C.
Protein change: p.Leu387Pro; replaces leucine 387 with proline.
Molecular consequence: missense variant.
Genome position (GRCh38, 1-based): chr6:49,606,900, A>G on the plus strand (T>C on the coding strand, the complement: RHAG is on the minus strand). VCF-style: chr6-49606900-A-G. GRCh37 (hg19) VCF-style: chr6-49574613-A-G.
Other names: short protein forms L387P.
Identifiers: ClinVar variation 4851438 (VCV004851438.1).